The following is an entry in ClinVar:

NM_001080517.3(SETD5):c.896_897del (p.Ile299fs)

Gene: SETD5 (SET domain containing 5; plus strand). Cytogenetic location: 3p25.3.
Variant type: Deletion.
Coding change: c.896_897del on transcript NM_001080517.3 (MANE Select); coding-DNA positions 896 to 897, 2 bases deleted (TA; older notation c.896_897delTA).
Protein change: p.Ile299fs; shifts the reading frame from isoleucine 299.
Molecular consequence: frameshift variant.
Genome position (GRCh38, 1-based): chr3:9,441,678-9,441,679, TA deleted; deleting any 2 consecutive bases within chr3:9,441,677-9,441,679 gives the same sequence; the c. name uses the placement nearest the transcript's 3' end. VCF-style (leftmost placement, unchanged base first): chr3-9441676-AAT-A. GRCh37 (hg19) VCF-style: chr3-9483360-AAT-A.
Other names: c.602_603del, p.Ile201fs (NM_001292043.2, NM_001349451.2); short protein forms I201fs, I299fs.
Identifiers: ClinVar variation 1971398 (VCV001971398.5), dbSNP rs2472704184, ClinGen allele CA2580070604.
Genomic context (GRCh38, chr3:9,441,676, plus strand): 5'-TGTTCAAAAGCACCGGAAGATCCTGAGGGCTGCAAGAGATTTGGCTTTGGACACTCTTAT[AAT>A]AGAGTATCGTGGGAAAGTCATGTTACGACAGCAATTTGAGGTCAATGGGCATTTCTTCAA-3'

ClinVar aggregate classification (germline): Pathogenic (1 of 4 stars; one submission).

Submission:

Labcorp Genetics (formerly Invitae), Labcorp
Classification: Pathogenic. Last evaluated: 2022-03-26. Review status: criteria provided, single submitter. Criteria: Invitae Variant Classification Sherloc (09022015). Collection method: clinical testing. Allele origin: germline.
Comment: For these reasons, this variant has been classified as Pathogenic. This variant has not been reported in the literature in individuals affected with SETD5-related conditions. This variant is not present in population databases (gnomAD no frequency). This sequence change creates a premature translational stop signal (p.Ile299Argfs*13) in the SETD5 gene. It is expected to result in an absent or disrupted protein product. Loss-of-function variants in SETD5 are known to be pathogenic (PMID: 24680889).

Literature cited by the submitters: PubMed 24680889.